The following is an entry in ClinVar:

ClinVar aggregate classification (germline): Uncertain significance (1 of 4 stars; one submission).

Conditions:
Brugada syndrome 8 (BRGDA8). Identifiers: Orphanet 130, MedGen C2751083, MONDO:0013148, OMIM 613123.

Submission:

Labcorp Genetics (formerly Invitae), Labcorp
Classification: Uncertain significance for Brugada syndrome 8. Last evaluated: 2024-02-23. Review status: criteria provided, single submitter. Criteria: Invitae Variant Classification Sherloc (09022015). Collection method: clinical testing. Allele origin: germline.
Comment: This sequence change creates a premature translational stop signal (p.Leu952Thrfs*28) in the HCN4 gene. While this is not anticipated to result in nonsense mediated decay, it is expected to disrupt the last 252 amino acid(s) of the HCN4 protein. This variant is not present in population databases (gnomAD no frequency). This variant has not been reported in the literature in individuals affected with HCN4-related conditions. Experimental studies and prediction algorithms are not available or were not evaluated, and the functional significance of this variant is currently unknown. In summary, the available evidence is currently insufficient to determine the role of this variant in disease. Therefore, it has been classified as a Variant of Uncertain Significance.

NM_005477.3(HCN4):c.2854_2869del (p.Leu952fs)

Gene: HCN4 (hyperpolarization activated cyclic nucleotide gated potassium channel 4; minus strand). Cytogenetic location: 15q24.1.
Variant type: Deletion.
Coding change: c.2854_2869del on transcript NM_005477.3 (MANE Select); coding-DNA positions 2854 to 2869, 16 bases deleted (CTGGGACTCCCGGAGC).
Protein change: p.Leu952fs; shifts the reading frame from leucine 952.
Molecular consequence: frameshift variant.
Genome position (GRCh38, 1-based): chr15:73,323,224-73,323,239, GCTCCGGGAGTCCCAG deleted on the plus strand (CTGGGACTCCCGGAGC on the coding strand, the reverse complement: HCN4 is on the minus strand); deleting any 16 consecutive bases within chr15:73,323,224-73,323,241 gives the same sequence; the c. name uses the placement nearest the transcript's 3' end. VCF-style (leftmost placement, unchanged base first): chr15-73323223-TGCTCCGGGAGTCCCAG-T. GRCh37 (hg19) VCF-style: chr15-73615564-TGCTCCGGGAGTCCCAG-T.
Other names: short protein forms L952fs.
Identifiers: ClinVar variation 3628837 (VCV003628837.2).